The following is an entry in ClinVar:

NM_001271.4(CHD2):c.693-125G>T

Gene: CHD2 (chromodomain helicase DNA binding protein 2; plus strand). Cytogenetic location: 15q26.1.
Variant type: single nucleotide variant.
Coding change: c.693-125G>T on transcript NM_001271.4 (MANE Select); 125 bases into the intron before coding-DNA position 693, G replaced by T.
Molecular consequence: intron variant.
Genome position (GRCh38, 1-based): chr15:92,941,697, G>T. VCF-style: chr15-92941697-G-T. GRCh37 (hg19) VCF-style: chr15-93484927-G-T.
Other names: c.693-125G>T (NM_001042572.3).
Identifiers: ClinVar variation 677468 (VCV000677468.1), dbSNP rs138733313, ClinGen allele CA274870719.
Genomic context (GRCh38, chr15:92,941,697, plus strand): 5'-AGGAGCATTCATCAGCACTTTAGGAAAAAAAAGTAAGCTTTGAGCCTACTGTAAATGGCA[G>T]ATCTATAAAACAACATGCTTTTGGAACCAAAAGGGTATGGTTTCTTATTCTAGTGACGGT-3'

ClinVar aggregate classification (germline): Benign (1 of 4 stars; one submission).

Allele frequency attached by ClinVar (database versions not stated): 1000 Genomes Project 30x 0.00547; 1000 Genomes Project 0.00579; TOPMed 0.00591; gnomAD 0.01021 and 0.01048; gnomAD exomes 0.01095.
gnomAD v4.1: 10,084 of 939,226 alleles (1.1%); highest among the groups gnomAD compares: Non-Finnish European, 1%; 115 homozygotes.

Submission:

GeneDx
Classification: Benign. Last evaluated: 2018-06-16. Review status: criteria provided, single submitter. Criteria: GeneDx Variant Classification (06012015). Collection method: clinical testing. Allele origin: germline. Affected: yes.
Comment: This variant is considered likely benign or benign based on one or more of the following criteria: it is a conservative change, it occurs at a poorly conserved position in the protein, it is predicted to be benign by multiple in silico algorithms, and/or has population frequency not consistent with disease.